The following is an entry in ClinVar:

NM_058216.3(RAD51C):c.5G>A (p.Arg2His)

Gene: RAD51C (RAD51 paralog C; plus strand). Cytogenetic location: 17q22.
Variant type: single nucleotide variant.
Coding change: c.5G>A on transcript NM_058216.3 (MANE Select); coding-DNA position 5, G replaced by A.
Protein change: p.Arg2His; replaces arginine 2 with histidine.
Molecular consequence: missense variant. On other transcripts: non-coding transcript variant (2).
Genome position (GRCh38, 1-based): chr17:58,692,648, G>A. VCF-style: chr17-58692648-G-A. GRCh37 (hg19) VCF-style: chr17-56770009-G-A.
Other names: c.5G>A, p.Arg2His (NM_002876.4); short protein forms R2H.
Identifiers: ClinVar variation 1692064 (VCV001692064.6), dbSNP rs2047797645, ClinGen allele CA400336079.

ClinVar aggregate classification (germline): Conflicting classifications of pathogenicity. Review status: criteria provided, conflicting classifications (1 of 4 stars). 3 submissions from 3 submitters: Uncertain significance (2); Likely benign (1). Last evaluated 2025-07-31.

Conditions:
Hereditary cancer-predisposing syndrome. Also called: Neoplastic Syndromes, Hereditary; Hereditary Cancer Syndrome; Tumor predisposition; Hereditary neoplastic syndrome. Identifiers: Orphanet 140162, MedGen C0027672, MeSH D009386, MONDO:0015356.
Fanconi anemia complementation group O. Also called: RAD51C-Related Fanconi Anemia. Identifiers: Orphanet 84, MedGen C3150653, MONDO:0013248, OMIM 613390.

Allele frequency attached by ClinVar (database versions not stated): gnomAD exomes below 0.00001.
gnomAD v4.1: 1 of 1,614,160 alleles (0.000062%); highest among the groups gnomAD compares: African/African-American, 0.0013%; no homozygotes.

Submissions (3):

Labcorp Genetics (formerly Invitae), Labcorp
Classification: Uncertain significance for Fanconi anemia complementation group O. Last evaluated: 2025-07-31. Review status: criteria provided, single submitter. Criteria: Invitae Variant Classification Sherloc (09022015). Collection method: clinical testing. Allele origin: germline.
Comment: This sequence change replaces arginine, which is basic and polar, with histidine, which is basic and polar, at codon 2 of the RAD51C protein (p.Arg2His). This variant is not present in population databases (gnomAD no frequency). This variant has not been reported in the literature in individuals affected with RAD51C-related conditions. ClinVar contains an entry for this variant (Variation ID: 1692064). An algorithm developed to predict the effect of missense changes on protein structure and function (PolyPhen-2) suggests that this variant is likely to be disruptive. In summary, the available evidence is currently insufficient to determine the role of this variant in disease. Therefore, it has been classified as a Variant of Uncertain Significance.

Ambry Genetics
Classification: Likely benign for Hereditary cancer-predisposing syndrome. Last evaluated: 2024-02-26. Review status: criteria provided, single submitter. Criteria: Ambry Variant Classification Scheme 2023. Collection method: clinical testing. Allele origin: germline.

Sema4
Classification: Uncertain significance for Hereditary cancer-predisposing syndrome. Last evaluated: 2021-11-02. Review status: criteria provided, single submitter. Criteria: Sema4 Curation Guidelines. Collection method: curation. Allele origin: germline.
Comment: The RAD51C c.5G>A (p.R2H) variant has not been reported in the literature to our knowledge. This variant was not observed in the large and broad cohorts of the Genome Aggregation Database (PMID: 32461654). This variant has not been reported in ClinVar. In silico tools suggest the impact of the variant on protein function is benign, though these predictions have not been confirmed by functional studies. Based on the current evidence available, this variant is interpreted as a variant of uncertain significance.